The following is an entry in ClinVar:

ClinVar aggregate classification (germline): Uncertain significance (1 of 4 stars; one submission).

Allele frequency attached by ClinVar (database versions not stated): gnomAD exomes 0.00001.
gnomAD v4.1: 9 of 1,614,184 alleles (0.00056%); highest among the groups gnomAD compares: Non-Finnish European, 0.00068%; no homozygotes.

Submission:

Ambry Genetics
Classification: Uncertain significance. Last evaluated: 2024-10-17. Review status: criteria provided, single submitter. Criteria: Ambry Variant Classification Scheme 2023. Collection method: clinical testing. Allele origin: germline.
Comment: The p.T1255A variant (also known as c.3763A>G), located in coding exon 4 of the ALPK2 gene, results from an A to G substitution at nucleotide position 3763. The threonine at codon 1255 is replaced by alanine, an amino acid with similar properties. This amino acid position is conserved. In addition, this alteration is predicted to be tolerated by in silico analysis. Since supporting evidence is limited at this time, the clinical significance of this alteration remains unclear.

NM_052947.4(ALPK2):c.3763A>G (p.Thr1255Ala)

Genes: ALPK2 (alpha kinase 2; minus strand), LOC126862764 (BRD4-independent group 4 enhancer GRCh37_chr18:56202574-56203773; plus strand). Cytogenetic location: 18q21.31.
Variant type: single nucleotide variant.
Coding change: c.3763A>G on transcript NM_052947.4 (MANE Select); coding-DNA position 3763, A replaced by G.
Protein change: p.Thr1255Ala; replaces threonine 1255 with alanine.
Molecular consequence: missense variant.
Genome position (GRCh38, 1-based): chr18:58,536,424, T>C on the plus strand (A>G on the coding strand, the complement: ALPK2 is on the minus strand). VCF-style: chr18-58536424-T-C. GRCh37 (hg19) VCF-style: chr18-56203656-T-C.
Other names: short protein forms T1255A.
Identifiers: ClinVar variation 1734697 (VCV001734697.3), dbSNP rs2518875990, ClinGen allele CA402565729.